The following is an entry in ClinVar:

ClinVar aggregate classification (germline): Uncertain significance (1 of 4 stars; one submission).

gnomAD v4.1: 1 of 1,610,770 alleles (0.000062%); highest among the groups gnomAD compares: Non-Finnish European, 0.000085%; no homozygotes.

Submission:

Ambry Genetics
Classification: Uncertain significance. Last evaluated: 2026-09-06. Review status: criteria provided, single submitter. Criteria: Ambry Variant Classification Scheme 2023. Collection method: clinical testing. Allele origin: germline.
Comment: The p.V1576A variant (also known as c.4727T>C), located in coding exon 19 of the WNK2 gene, results from a T to C substitution at nucleotide position 4727. The valine at codon 1576 is replaced by alanine, an amino acid with similar properties. This amino acid position is conserved. In addition, this alteration is predicted to be tolerated by in silico analysis. Based on the available evidence, the clinical significance of this variant remains unclear.

NM_006648.4(WNK2):c.4727T>C (p.Val1576Ala)

Gene: WNK2 (WNK lysine deficient protein kinase 2; plus strand). Cytogenetic location: 9q22.31.
Variant type: single nucleotide variant.
Coding change: c.4727T>C on transcript NM_006648.4 (MANE Select); coding-DNA position 4727, T replaced by C.
Protein change: p.Val1576Ala; replaces valine 1576 with alanine.
Molecular consequence: missense variant.
Genome position (GRCh38, 1-based): chr9:93,289,481, T>C. VCF-style: chr9-93289481-T-C. GRCh37 (hg19) VCF-style: chr9-96051763-T-C.
Other names: c.4838T>C, p.Val1613Ala (NM_001282394.3); short protein forms V1576A, V1613A.
Identifiers: ClinVar variation 5031974 (VCV005031974.1).